The following is an entry in ClinVar:

ClinVar aggregate classification (germline): Uncertain significance. Review status: criteria provided, multiple submitters, no conflicts (2 of 4 stars). 2 submissions from 2 submitters: Uncertain significance (2). Last evaluated 2025-04-08.

Allele frequency attached by ClinVar (database versions not stated): gnomAD exomes below 0.00001 and 0.00002; gnomAD 0.00001 and 0.00002; ExAC 0.00003; TOPMed 0.00004.

Submissions (2):

Ambry Genetics
Classification: Uncertain significance. Last evaluated: 2025-04-08. Review status: criteria provided, single submitter. Criteria: Ambry Variant Classification Scheme 2023. Collection method: clinical testing. Allele origin: germline.

Labcorp Genetics (formerly Invitae), Labcorp
Classification: Uncertain significance. Last evaluated: 2025-03-17. Review status: criteria provided, single submitter. Criteria: Invitae Variant Classification Sherloc (09022015). Collection method: clinical testing. Allele origin: germline.
Comment: This sequence change replaces arginine, which is basic and polar, with histidine, which is basic and polar, at codon 182 of the ZNF513 protein (p.Arg182His). This variant is present in population databases (rs763736372, gnomAD 0.005%). This variant has not been reported in the literature in individuals affected with ZNF513-related conditions. ClinVar contains an entry for this variant (Variation ID: 1494710). An algorithm developed to predict the effect of missense changes on protein structure and function (PolyPhen-2) suggests that this variant is likely to be disruptive. In summary, the available evidence is currently insufficient to determine the role of this variant in disease. Therefore, it has been classified as a Variant of Uncertain Significance.

NM_144631.6(ZNF513):c.545G>A (p.Arg182His)

Gene: ZNF513 (zinc finger protein 513; minus strand). Cytogenetic location: 2p23.3.
Variant type: single nucleotide variant.
Coding change: c.545G>A on transcript NM_144631.6 (MANE Select); coding-DNA position 545, G replaced by A.
Protein change: p.Arg182His; replaces arginine 182 with histidine.
Molecular consequence: missense variant.
Genome position (GRCh38, 1-based): chr2:27,378,721, C>T on the plus strand (G>A on the coding strand, the complement: ZNF513 is on the minus strand). VCF-style: chr2-27378721-C-T. GRCh37 (hg19) VCF-style: chr2-27601588-C-T.
Other names: c.545G>A (NM_144631.5); c.359G>A, p.Arg120His (NM_001201459.2); short protein forms R120H, R182H.
Identifiers: ClinVar variation 1494710 (VCV001494710.7), dbSNP rs763736372, ClinGen allele CA1578034.